The following is an entry in ClinVar:

NM_006231.4(POLE):c.5329A>G (p.Ser1777Gly)

Gene: POLE (DNA polymerase epsilon, catalytic subunit; minus strand). Cytogenetic location: 12q24.33.
Variant type: single nucleotide variant.
Coding change: c.5329A>G on transcript NM_006231.4 (MANE Select); coding-DNA position 5329, A replaced by G.
Protein change: p.Ser1777Gly; replaces serine 1777 with glycine.
Molecular consequence: missense variant.
Genome position (GRCh38, 1-based): chr12:132,641,696, T>C on the plus strand (A>G on the coding strand, the complement: POLE is on the minus strand). VCF-style: chr12-132641696-T-C. GRCh37 (hg19) VCF-style: chr12-133218282-T-C.
Other names: short protein forms S1777G.
Identifiers: ClinVar variation 2442732 (VCV002442732.5), dbSNP rs1476621612, ClinGen allele CA387375903.

ClinVar aggregate classification (germline): Conflicting classifications of pathogenicity. Review status: criteria provided, conflicting classifications (1 of 4 stars). 3 submissions from 3 submitters: Uncertain significance (2); Likely benign (1). Last evaluated 2025-04-23.

Conditions:
Hereditary cancer-predisposing syndrome. Also called: Neoplastic Syndromes, Hereditary; Hereditary Cancer Syndrome; Tumor predisposition; Hereditary neoplastic syndrome. Identifiers: Orphanet 140162, MedGen C0027672, MeSH D009386, MONDO:0015356.

Allele frequency attached by ClinVar (database versions not stated): gnomAD 0.00001.

Submissions (3):

Labcorp Genetics (formerly Invitae), Labcorp
Classification: Uncertain significance. Last evaluated: 2025-04-23. Review status: criteria provided, single submitter. Criteria: Invitae Variant Classification Sherloc (09022015). Collection method: clinical testing. Allele origin: germline.
Comment: This sequence change replaces serine, which is neutral and polar, with glycine, which is neutral and non-polar, at codon 1777 of the POLE protein (p.Ser1777Gly). This variant is not present in population databases (gnomAD no frequency). This variant has not been reported in the literature in individuals affected with POLE-related conditions. ClinVar contains an entry for this variant (Variation ID: 2442732). Invitae Evidence Modeling of protein sequence and biophysical properties (such as structural, functional, and spatial information, amino acid conservation, physicochemical variation, residue mobility, and thermodynamic stability) indicates that this missense variant is not expected to disrupt POLE protein function with a negative predictive value of 80%. In summary, the available evidence is currently insufficient to determine the role of this variant in disease. Therefore, it has been classified as a Variant of Uncertain Significance.

Ambry Genetics
Classification: Likely benign for Hereditary cancer-predisposing syndrome. Last evaluated: 2025-04-21. Review status: criteria provided, single submitter. Criteria: Ambry Variant Classification Scheme 2023. Collection method: clinical testing. Allele origin: germline.

GeneDx
Classification: Uncertain significance. Last evaluated: 2022-09-02. Review status: criteria provided, single submitter. Criteria: GeneDx Variant Classification Process June 2021. Collection method: clinical testing. Allele origin: germline. Affected: yes.
Comment: Not observed at significant frequency in large population cohorts (gnomAD); In silico analysis supports that this missense variant does not alter protein structure/function; Has not been previously published as pathogenic or benign to our knowledge